The following is an entry in ClinVar:

ClinVar aggregate classification (germline): Conflicting classifications of pathogenicity. Review status: criteria provided, conflicting classifications (1 of 4 stars). 8 submissions from 8 submitters: Uncertain significance (7); Likely benign (1). Last evaluated 2026-09-26.

Conditions:
Congenital multicore myopathy with external ophthalmoplegia (CMYO1B). Also called: MULTIMINICORE DISEASE WITH EXTERNAL OPHTHALMOPLEGIA; Minicore myopathy with external ophthalmoplegia; MULTICORE MYOPATHY; Congenital myopathy 1B, autosomal recessive; Minicore myopathy. Identifiers: Orphanet 598, Orphanet 98905, MedGen C1850674, MONDO:0009712, OMIM 255320, HP:0003789.
Congenital myopathy with fiber type disproportion. Also called: Congenital fiber-type disproportion myopathy; Congenital fiber-type disproportion. Identifiers: Orphanet 2020, MedGen C0546264, MONDO:0009711. Inheritance: all.
Central core myopathy (CMYO1A). Also called: CONGENITAL MYOPATHY 1A, AUTOSOMAL DOMINANT, WITH SUSCEPTIBILITY TO MALIGNANT HYPERTHERMIA; Central core disease; Myopathy, central fibrillar. Identifiers: Orphanet 597, MedGen C5830701, MONDO:0007294, OMIM 117000.
Malignant hyperthermia, susceptibility to, 1 (MHS1). Also called: RYR1-Related Malignant Hyperthermia Susceptibility; Malignant hyperthermia suceptibility 1; Anesthesia related hyperthermia; Malignant hyperpyrexia; Fulminating hyperpyrexia; Pharmacogenic myopathy. Identifiers: Orphanet 423, MedGen C2930980, MONDO:0007783, OMIM 145600.
King Denborough syndrome (KDS). Identifiers: MedGen C1840365, MONDO:0020485, OMIM 619542.
RYR1-related disorder. Also called: RYR1-related disorders; RYR1-related condition. Identifiers: MedGen CN239331.
Inborn genetic diseases. Identifiers: MedGen C0950123, MeSH D030342.

Allele frequency attached by ClinVar (database versions not stated): gnomAD exomes 0.00002 and 0.00009; ExAC 0.00014; gnomAD 0.00029 and 0.00031; TOPMed 0.00034; 1000 Genomes Project 0.00040; ESP Exome Variant Server 0.00046; 1000 Genomes Project 30x 0.00062.
gnomAD v4.1: 85 of 1,614,092 alleles (0.0053%); highest among the groups gnomAD compares: African/African-American, 0.073%; no homozygotes.

Submissions (8):

GeneDx
Classification: Uncertain significance. Last evaluated: 2026-09-26. Review status: criteria provided, single submitter. Criteria: GeneDx Variant Classification Process June 2021. Collection method: clinical testing. Allele origin: germline.
Comment: In silico analysis supports that this missense variant has a deleterious effect on protein structure/function; Has not been previously published as pathogenic or benign to our knowledge

Labcorp Genetics (formerly Invitae), Labcorp
Classification: Uncertain significance for RYR1-related disorder. Last evaluated: 2025-12-09. Review status: criteria provided, single submitter. Criteria: Invitae Variant Classification Sherloc (09022015). Collection method: clinical testing. Allele origin: germline.
Comment: This sequence change replaces threonine, which is neutral and polar, with methionine, which is neutral and non-polar, at codon 2659 of the RYR1 protein (p.Thr2659Met). This variant is present in population databases (rs138325444, gnomAD 0.08%). This variant has not been reported in the literature in individuals affected with RYR1-related conditions. ClinVar contains an entry for this variant (Variation ID: 393175). Invitae Evidence Modeling of protein sequence and biophysical properties (such as structural, functional, and spatial information, amino acid conservation, physicochemical variation, residue mobility, and thermodynamic stability) indicates that this missense variant is not expected to disrupt RYR1 protein function with a negative predictive value of 80%. In summary, the available evidence is currently insufficient to determine the role of this variant in disease. Therefore, it has been classified as a Variant of Uncertain Significance.

Ambry Genetics
Classification: Uncertain significance for Inborn genetic diseases. Last evaluated: 2025-10-01. Review status: criteria provided, single submitter. Criteria: Ambry Variant Classification Scheme 2023. Collection method: clinical testing. Allele origin: germline.

Blueprint Genetics
Classification: Uncertain significance. Last evaluated: 2024-03-19. Review status: criteria provided, single submitter. Criteria: ACMG Guidelines, 2015. Collection method: clinical testing. Allele origin: germline.

Women's Health and Genetics/Laboratory Corporation of America, LabCorp
Classification: Uncertain significance. Last evaluated: 2023-06-08. Review status: criteria provided, single submitter. Criteria: LabCorp Variant Classification Summary - May 2015. Collection method: clinical testing. Allele origin: germline.
Comment: Variant summary: RYR1 c.7976C>T (p.Thr2659Met) results in a non-conservative amino acid change in the encoded protein sequence. Five of five in-silico tools predict a damaging effect of the variant on protein function. The variant allele was found at a frequency of 0.0001 in 282662 control chromosomes (gnomAD), predominantly at a frequency of 0.0008 within the African or African-American subpopulation in the gnomAD database. The observed variant frequency within African or African-American control individuals in the gnomAD database is approximately 9 fold of the estimated maximal expected allele frequency for a pathogenic variant in RYR1 causing Malignant Hyperthermia Susceptibility (8.8e-05), strongly suggesting that the variant is a benign polymorphism found primarily in populations of African or African-American origin. To our knowledge, no occurrence of c.7976C>T in individuals affected with Malignant Hyperthermia Susceptibility and no experimental evidence demonstrating its impact on protein function have been reported. Four ClinVar submitters have assessed the variant since 2014: all four classified the variant as uncertain significance. Based on the evidence outlined above, the variant was classified as VUS-possibly benign.

Color Diagnostics, LLC DBA Color Health
Classification: Likely benign for Malignant hyperthermia, susceptibility to, 1. Last evaluated: 2023-05-15. Review status: criteria provided, single submitter. Criteria: ACMG Guidelines, 2015. Collection method: clinical testing. Allele origin: germline.

Fulgent Genetics
Classification: Uncertain significance for Central core myopathy; Malignant hyperthermia, susceptibility to, 1; Congenital myopathy 4A, autosomal dominant; Congenital multicore myopathy with external ophthalmoplegia; King Denborough syndrome. Last evaluated: 2021-11-22. Review status: criteria provided, single submitter. Criteria: ACMG Guidelines, 2015. Collection method: clinical testing. Allele origin: unknown.

Revvity Omics, Revvity
Classification: Uncertain significance. Last evaluated: 2021-10-07. Review status: criteria provided, single submitter. Criteria: ACMG Guidelines, 2015. Collection method: clinical testing. Allele origin: germline.

NM_000540.3(RYR1):c.7976C>T (p.Thr2659Met)

Gene: RYR1 (ryanodine receptor 1; plus strand). Cytogenetic location: 19q13.2.
Variant type: single nucleotide variant.
Coding change: c.7976C>T on transcript NM_000540.3 (MANE Select); coding-DNA position 7976, C replaced by T.
Protein change: p.Thr2659Met; replaces threonine 2659 with methionine.
Molecular consequence: missense variant.
Genome position (GRCh38, 1-based): chr19:38,504,269, C>T. VCF-style: chr19-38504269-C-T. GRCh37 (hg19) VCF-style: chr19-38994909-C-T.
Other names: c.7976C>T, p.Thr2659Met (NM_001042723.2); short protein forms T2659M.
Identifiers: ClinVar variation 393175 (VCV000393175.17), dbSNP rs138325444, ClinGen allele CA071182.
Genomic context (GRCh38, chr19:38,504,269, plus strand): 5'-TTCCCACCCAGCTCCTCACCAACCACTATGAGCGCTGTTGGAAGTACTACTGCCTACCCA[C>T]GGGCTGGGCCAACTTCGGGGTCACCTCAGAGGAGGAGCTGCACCTCACACGGAAACTCTT-3'
Protein context (NP_000531.2, residues 2649-2669): ERCWKYYCLP[Thr2659Met]GWANFGVTSE